The following is an entry in ClinVar:

NM_002519.3(NPAT):c.4208A>C (p.Lys1403Thr)

Gene: NPAT (nuclear protein, coactivator of histone transcription; minus strand). Cytogenetic location: 11q22.3.
Variant type: single nucleotide variant.
Coding change: c.4208A>C on transcript NM_002519.3 (MANE Select); coding-DNA position 4208, A replaced by C.
Protein change: p.Lys1403Thr; replaces lysine 1403 with threonine.
Molecular consequence: missense variant.
Genome position (GRCh38, 1-based): chr11:108,159,018, T>G on the plus strand (A>C on the coding strand, the complement: NPAT is on the minus strand). VCF-style: chr11-108159018-T-G. GRCh37 (hg19) VCF-style: chr11-108029745-T-G.
Other names: c.4229A>C, p.Lys1410Thr (NM_001321307.1); short protein forms K1410T, K1403T.
Identifiers: ClinVar variation 3300720 (VCV003300720.1).

ClinVar aggregate classification (germline): Uncertain significance (1 of 4 stars; one submission).

Submission:

Ambry Genetics
Classification: Uncertain significance. Last evaluated: 2024-06-14. Review status: criteria provided, single submitter. Criteria: Ambry Variant Classification Scheme 2023. Collection method: clinical testing. Allele origin: germline.
Comment: The p.K1403T variant (also known as c.4208A>C), located in coding exon 18 of the NPAT gene, results from an A to C substitution at nucleotide position 4208. The lysine at codon 1403 is replaced by threonine, an amino acid with similar properties. This amino acid position is conserved. In addition, this alteration is predicted to be tolerated by in silico analysis. Based on the available evidence, the clinical significance of this variant remains unclear.